The following is an entry in ClinVar:

NM_001614.5(ACTG1):c.363+58G>A

Gene: ACTG1 (actin gamma 1; minus strand). Cytogenetic location: 17q25.3.
Variant type: single nucleotide variant.
Coding change: c.363+58G>A on transcript NM_001614.5 (MANE Select); 58 bases into the intron after coding-DNA position 363, G replaced by A.
Molecular consequence: intron variant.
Genome position (GRCh38, 1-based): chr17:81,511,845, C>T on the plus strand (G>A on the coding strand, the complement: ACTG1 is on the minus strand). VCF-style: chr17-81511845-C-T. GRCh37 (hg19) VCF-style: chr17-79478871-C-T.
Other names: c.363+58G>A (NM_001199954.3).
Identifiers: ClinVar variation 561392 (VCV000561392.5), dbSNP rs9912409, ClinGen allele CA8836232.

ClinVar aggregate classification (germline): Benign. Review status: criteria provided, multiple submitters, no conflicts (2 of 4 stars). 4 submissions from 3 submitters: Benign (4). Last evaluated 2021-07-14.

Conditions:
Baraitser-winter syndrome 2. Identifiers: Orphanet 2995, MedGen C3281235, MONDO:0013812, OMIM 614583.
Autosomal dominant nonsyndromic hearing loss 20. Identifiers: Orphanet 90635, MedGen C1858172, MONDO:0011480, OMIM 604717.

Allele frequency attached by ClinVar (database versions not stated): gnomAD 0.27171 and 0.28581; TOPMed 0.29535; ExAC 0.34842; 1000 Genomes Project 30x 0.43551; 1000 Genomes Project 0.44209.
gnomAD v4.1: 455,181 of 1,608,356 alleles (28%); highest among the groups gnomAD compares: East Asian, 81%; 75,270 homozygotes.

Submissions (4):

Genome-Nilou Lab
Classification: Benign for Baraitser-winter syndrome 2. Last evaluated: 2021-07-14. Review status: criteria provided, single submitter. Criteria: ACMG Guidelines, 2015. Collection method: clinical testing. Allele origin: germline. Affected: no.

Genome-Nilou Lab
Classification: Benign for Autosomal dominant nonsyndromic hearing loss 20. Last evaluated: 2021-07-14. Review status: criteria provided, single submitter. Criteria: ACMG Guidelines, 2015. Collection method: clinical testing. Allele origin: germline. Affected: no.

GeneDx
Classification: Benign. Last evaluated: 2018-06-14. Review status: criteria provided, single submitter. Criteria: GeneDx Variant Classification (06012015). Collection method: clinical testing. Allele origin: germline. Affected: yes.
Comment: This variant is considered likely benign or benign based on one or more of the following criteria: it is a conservative change, it occurs at a poorly conserved position in the protein, it is predicted to be benign by multiple in silico algorithms, and/or has population frequency not consistent with disease.

Breakthrough Genomics
Classification: Benign. Review status: criteria provided, single submitter. Criteria: ACMG Guidelines, 2015. Collection method: not provided. Allele origin: germline. Inheritance: Autosomal dominant inheritance. Affected: yes.